The following is an entry in ClinVar:

ClinVar aggregate classification (germline): Conflicting classifications of pathogenicity. Review status: criteria provided, conflicting classifications (1 of 4 stars). 5 submissions from 5 submitters: Uncertain significance (1); Benign (1); Likely benign (2). 1 of the submissions does not count toward it. Last evaluated 2026-07-28.

Conditions:
COL4A5-related disorder. Also called: COL4A5-related condition.
Alport syndrome. Also called: Hemorrhagic familial nephritis; Hemorrhagic hereditary nephritis; Congenital hereditary hematuria. Identifiers: Orphanet 63, MedGen C1567741, MONDO:0018965.

Allele frequency attached by ClinVar (database versions not stated): gnomAD 0.00011; TOPMed 0.00012; gnomAD exomes 0.00013; ExAC 0.00017; 1000 Genomes Project 30x 0.00021; 1000 Genomes Project 0.00026; ESP Exome Variant Server 0.00028.
gnomAD v4.1: 224 of 1,204,879 alleles (0.019%); highest among the groups gnomAD compares: Non-Finnish European, 0.025%; no homozygotes.

Submissions (5):

PreventionGenetics, part of Exact Sciences
Classification: Uncertain significance for COL4A5-related condition. Last evaluated: 2026-07-28. Review status: criteria provided, single submitter. Criteria: ACMG Guidelines, 2015. Collection method: clinical testing. Allele origin: germline.
Comment: The COL4A5 c.4054C>A variant is predicted to result in the amino acid substitution p.Leu1352Ile. This variant was reported in an individual with familial hematuric nephropathies and assessed as a variant of unknown significance (Morinière et al. 2014. PubMed ID: 24854265). This variant is reported in 0.027% of alleles in individuals of European (Non-Finnish) descent in gnomAD. In gnomAD v4 (available only on GRCh38), this variant is reported in 69 hemizygotes globally, which is likely too common for a highly penetrant pathogenic variant. Although we suspect that this variant may be benign, at this time, the clinical significance of this variant is uncertain due to the absence of conclusive functional and genetic evidence.

Labcorp Genetics (formerly Invitae), Labcorp
Classification: Benign. Last evaluated: 2025-05-17. Review status: criteria provided, single submitter. Criteria: Invitae Variant Classification Sherloc (09022015). Collection method: clinical testing. Allele origin: germline.

Blueprint Genetics
Classification: Likely benign. Last evaluated: 2024-07-15. Review status: criteria provided, single submitter. Criteria: ACMG Guidelines, 2015. Collection method: clinical testing. Allele origin: germline.

GeneDx
Classification: Likely benign. Last evaluated: 2020-07-06. Review status: criteria provided, single submitter. Criteria: GeneDx Variant Classification Process June 2021. Collection method: clinical testing. Allele origin: germline. Affected: yes.
Comment: See Variant Classification Assertion Criteria.

Natera, Inc.
Classification: Benign for Alport syndrome. Last evaluated: 2020-09-16. Review status: no assertion criteria provided. Collection method: clinical testing. Allele origin: germline. Not counted in ClinVar's aggregate classification.

NM_033380.3(COL4A5):c.4072C>A (p.Leu1358Ile)

Gene: COL4A5 (collagen type IV alpha 5 chain; plus strand). Cytogenetic location: Xq22.3.
Variant type: single nucleotide variant.
Coding change: c.4072C>A on transcript NM_033380.3 (MANE Select); coding-DNA position 4072, C replaced by A.
Protein change: p.Leu1358Ile; replaces leucine 1358 with isoleucine.
Molecular consequence: missense variant.
Genome position (GRCh38, 1-based): chrX:108,680,941, C>A. VCF-style: chrX-108680941-C-A. GRCh37 (hg19) VCF-style: chrX-107924171-C-A.
Other names: c.4054C>A, p.Leu1352Ile (NM_000495.5); c.4072C>A (NM_033380.1); short protein forms L1352I, L1358I.
Identifiers: ClinVar variation 587188 (VCV000587188.18), dbSNP rs143020337, ClinGen allele CA10489283.